The following is an entry in ClinVar:

ClinVar aggregate classification (germline): Pathogenic/Likely pathogenic. Review status: criteria provided, multiple submitters, no conflicts (2 of 4 stars). 2 submissions from 2 submitters: Pathogenic (1); Likely pathogenic (1). Last evaluated 2022-03-13.

Conditions:
Neurofibromatosis, type 1 (NF1). Also called: Neurofibromatosis, type I; VON RECKLINGHAUSEN DISEASE; NEUROFIBROMATOSIS, TYPE I, SOMATIC; Peripheral type neurofibromatosis. Identifiers: Orphanet 636, MedGen C0027831, MONDO:0018975, OMIM 162200. Disease mechanism: loss of function.

Submissions (2):

Labcorp Genetics (formerly Invitae), Labcorp
Classification: Likely pathogenic for Neurofibromatosis, type 1. Last evaluated: 2022-03-13. Review status: criteria provided, single submitter. Criteria: Invitae Variant Classification Sherloc (09022015). Collection method: clinical testing. Allele origin: germline.
Comment: In summary, the currently available evidence indicates that the variant is pathogenic, but additional data are needed to prove that conclusively. Therefore, this variant has been classified as Likely Pathogenic. Algorithms developed to predict the effect of sequence changes on RNA splicing suggest that this variant may disrupt the consensus splice site. ClinVar contains an entry for this variant (Variation ID: 1220230). This variant has not been reported in the literature in individuals affected with NF1-related conditions. This variant is not present in population databases (gnomAD no frequency). This sequence change affects a splice site in intron 17 of the NF1 gene. It is expected to disrupt RNA splicing. Variants that disrupt the donor or acceptor splice site typically lead to a loss of protein function (PMID: 16199547), and loss-of-function variants in NF1 are known to be pathogenic (PMID: 10712197, 23913538).

GeneDx
Classification: Pathogenic. Last evaluated: 2021-07-06. Review status: criteria provided, single submitter. Criteria: GeneDx Variant Classification Process June 2021. Collection method: clinical testing. Allele origin: germline. Affected: yes.
Comment: Canonical splice site variant predicted to result in a null allele in a gene for which loss-of-function is a known mechanism of disease; Not observed at significant frequency in large population cohorts (Lek et al., 2016); Has not been previously published as pathogenic or benign to our knowledge; This variant is associated with the following publications: (PMID: 27535533)

Literature cited by the submitters: PubMed 16199547 (cited by Labcorp Genetics (formerly Invitae), Labcorp); PubMed 10712197 (cited by Labcorp Genetics (formerly Invitae), Labcorp); PubMed 23913538 (cited by Labcorp Genetics (formerly Invitae), Labcorp).

NM_001042492.3(NF1):c.2002-2_2002-1del

Gene: NF1 (neurofibromin 1; plus strand). Cytogenetic location: 17q11.2.
Variant type: Deletion.
Coding change: c.2002-2_2002-1del on transcript NM_001042492.3 (MANE Select); the canonical splice acceptor site of the intron before coding-DNA position 2002, 2 bases deleted (AG; older notation c.2002-2_2002-1delAG).
Molecular consequence: splice acceptor variant.
Genome position (GRCh38, 1-based): chr17:31,226,433-31,226,434, AG deleted. VCF-style (leftmost placement, unchanged base first): chr17-31226432-CAG-C. GRCh37 (hg19) VCF-style: chr17-29553450-CAG-C.
Other names: c.2002-2_2002-1del (NM_000267.4).
Identifiers: ClinVar variation 1220230 (VCV001220230.8), dbSNP rs2151425505, ClinGen allele CA2499224038.